The following is an entry in ClinVar:

NM_001012339.3(DNAJC21):c.1224dup (p.Gly409fs)

Gene: DNAJC21 (DnaJ heat shock protein family (Hsp40) member C21; plus strand). Cytogenetic location: 5p13.2.
Variant type: Duplication.
Coding change: c.1224dup on transcript NM_001012339.3 (MANE Select); coding-DNA position 1224, one base duplicated (A; older notation c.1224dupA).
Protein change: p.Gly409fs; shifts the reading frame from glycine 409.
Molecular consequence: frameshift variant.
Genome position (GRCh38, 1-based): chr5:34,950,208, A duplicated; the last of 2 consecutive A bases (chr5:34,950,207-34,950,208); duplicating either gives the same sequence. VCF-style (leftmost placement, unchanged base first): chr5-34950206-G-GA. GRCh37 (hg19) VCF-style: chr5-34950311-G-GA.
Other names: c.1263dup, p.Gly422fs (NM_001348420.2); c.1359dup, p.Gly454fs (NM_194283.4); short protein forms G422fs, G409fs, G454fs.
Identifiers: ClinVar variation 1028445 (VCV001028445.4), dbSNP rs765411726, ClinGen allele CA3228804.

ClinVar aggregate classification (germline): Pathogenic. Review status: criteria provided, multiple submitters, no conflicts (2 of 4 stars). 2 submissions from 2 submitters: Pathogenic (2). Last evaluated 2023-03-22.

Conditions:
Bone marrow failure syndrome 3 (BMFS3). Identifiers: MedGen C4310744, MONDO:0014887, OMIM 617052.

Submissions (2):

Labcorp Genetics (formerly Invitae), Labcorp
Classification: Pathogenic. Last evaluated: 2023-03-22. Review status: criteria provided, single submitter. Criteria: Invitae Variant Classification Sherloc (09022015). Collection method: clinical testing. Allele origin: germline.
Comment: This variant has not been reported in the literature in individuals affected with DNAJC21-related conditions. This sequence change creates a premature translational stop signal (p.Gly409Argfs*5) in the DNAJC21 gene. It is expected to result in an absent or disrupted protein product. Loss-of-function variants in DNAJC21 are known to be pathogenic (PMID: 27346687, 28062395). This variant is present in population databases (rs765411726, gnomAD 0.02%). ClinVar contains an entry for this variant (Variation ID: 1028445). For these reasons, this variant has been classified as Pathogenic.

Baylor Genetics
Classification: Pathogenic for Bone marrow failure syndrome 3. Last evaluated: 2019-01-17. Review status: criteria provided, single submitter. Criteria: ACMG Guidelines, 2015. Collection method: clinical testing. Allele origin: inherited. Affected: yes.
Comment: This variant was determined to be pathogenic according to ACMG Guidelines, 2015 [PMID:25741868].

Literature cited by the submitters: PubMed 27346687 (cited by Labcorp Genetics (formerly Invitae), Labcorp); PubMed 28062395 (cited by Labcorp Genetics (formerly Invitae), Labcorp).